The following is an entry in ClinVar:

ClinVar aggregate classification (germline): Uncertain significance (1 of 4 stars; one submission).

Submission:

Labcorp Genetics (formerly Invitae), Labcorp
Classification: Uncertain significance. Last evaluated: 2025-12-01. Review status: criteria provided, single submitter. Criteria: Invitae Variant Classification Sherloc (09022015). Collection method: clinical testing. Allele origin: germline.
Comment: This sequence change replaces glycine, which is neutral and non-polar, with arginine, which is basic and polar, at codon 973 of the COL11A2 protein (p.Gly973Arg). This variant is not present in population databases (gnomAD no frequency). This variant has not been reported in the literature in individuals affected with COL11A2-related conditions. Invitae Evidence Modeling of protein sequence and biophysical properties (such as structural, functional, and spatial information, amino acid conservation, physicochemical variation, residue mobility, and thermodynamic stability) indicates that this missense variant is expected to disrupt COL11A2 protein function with a positive predictive value of 95%. In summary, the available evidence is currently insufficient to determine the role of this variant in disease. Therefore, it has been classified as a Variant of Uncertain Significance.

NM_080680.3(COL11A2):c.2917G>A (p.Gly973Arg)

Gene: COL11A2 (collagen type XI alpha 2 chain; minus strand). Cytogenetic location: 6p21.32.
Variant type: single nucleotide variant.
Coding change: c.2917G>A on transcript NM_080680.3 (MANE Select); coding-DNA position 2917, G replaced by A.
Protein change: p.Gly973Arg; replaces glycine 973 with arginine.
Molecular consequence: missense variant.
Genome position (GRCh38, 1-based): chr6:33,172,360, C>T on the plus strand (G>A on the coding strand, the complement: COL11A2 is on the minus strand). VCF-style: chr6-33172360-C-T. GRCh37 (hg19) VCF-style: chr6-33140137-C-T.
Other names: c.2737G>A, p.Gly913Arg (NM_001424108.1); c.2071G>A, p.Gly691Arg (NM_001424109.1); c.1891G>A, p.Gly631Arg (NM_001424110.1, NM_001424111.1); c.871G>A, p.Gly291Arg (NM_001424112.1); c.2596G>A, p.Gly866Arg (NM_080679.3); c.2659G>A, p.Gly887Arg (NM_080681.3); short protein forms G691R, G913R, G887R, G973R, G291R, G631R, G866R.
Identifiers: ClinVar variation 4770393 (VCV004770393.1).